The following is an entry in ClinVar:

ClinVar aggregate classification (germline): Uncertain significance. Review status: criteria provided, multiple submitters, no conflicts (2 of 4 stars). 2 submissions from 2 submitters: Uncertain significance (2). Last evaluated 2025-08-11.

gnomAD v4.1: 15 of 1,613,858 alleles (0.00093%); highest among the groups gnomAD compares: African/African-American, 0.019%; no homozygotes.

Submissions (2):

Ambry Genetics
Classification: Uncertain significance. Last evaluated: 2025-08-11. Review status: criteria provided, single submitter. Criteria: Ambry Variant Classification Scheme 2023. Collection method: clinical testing. Allele origin: germline.

Labcorp Genetics (formerly Invitae), Labcorp
Classification: Uncertain significance. Last evaluated: 2024-11-09. Review status: criteria provided, single submitter. Criteria: Invitae Variant Classification Sherloc (09022015). Collection method: clinical testing. Allele origin: germline.
Comment: This sequence change replaces threonine, which is neutral and polar, with alanine, which is neutral and non-polar, at codon 3 of the COX14 protein (p.Thr3Ala). This variant is present in population databases (rs769247649, gnomAD 0.02%). This variant has not been reported in the literature in individuals affected with COX14-related conditions. An algorithm developed to predict the effect of missense changes on protein structure and function (PolyPhen-2) suggests that this variant is likely to be tolerated. In summary, the available evidence is currently insufficient to determine the role of this variant in disease. Therefore, it has been classified as a Variant of Uncertain Significance.

NM_032901.4(COX14):c.7A>G (p.Thr3Ala)

Gene: COX14 (cytochrome c oxidase assembly factor COX14; plus strand). Cytogenetic location: 12q13.12.
Variant type: single nucleotide variant.
Coding change: c.7A>G on transcript NM_032901.4 (MANE Select); coding-DNA position 7, A replaced by G.
Protein change: p.Thr3Ala; replaces threonine 3 with alanine.
Molecular consequence: missense variant.
Genome position (GRCh38, 1-based): chr12:50,120,050, A>G. VCF-style: chr12-50120050-A-G. GRCh37 (hg19) VCF-style: chr12-50513833-A-G.
Other names: c.7A>G (NM_032901.2); c.7A>G, p.Thr3Ala (NM_001257133.2, NM_001257134.2); short protein forms T3A.
Identifiers: ClinVar variation 3624724 (VCV003624724.3).